The following is an entry in ClinVar:

NM_015178.3(RHOBTB2):c.1317T>C (p.Asp439=)

Gene: RHOBTB2 (Rho related BTB domain containing 2; plus strand). Cytogenetic location: 8p21.3.
Variant type: single nucleotide variant.
Coding change: c.1317T>C on transcript NM_015178.3 (MANE Select); coding-DNA position 1317, T replaced by C.
Protein change: p.Asp439=; no amino-acid change (aspartic acid 439 retained).
Molecular consequence: synonymous variant.
Genome position (GRCh38, 1-based): chr8:23,007,562, T>C. VCF-style: chr8-23007562-T-C. GRCh37 (hg19) VCF-style: chr8-22865075-T-C.
Other names: c.1383T>C, p.Asp461= (NM_001160036.2); c.1338T>C, p.Asp446= (NM_001160037.2); c.1317T>C, p.Asp439= (NM_001374791.1).
Identifiers: ClinVar variation 4873503 (VCV004873503.2).

ClinVar aggregate classification (germline): Likely benign (1 of 4 stars; one submission).

Submission:

CeGaT Center for Human Genetics Tuebingen
Classification: Likely benign. Last evaluated: 2026-05-01. Review status: criteria provided, single submitter. Criteria: CeGaT Center For Human Genetics Tuebingen Variant Classification Criteria Version 2. Collection method: clinical testing. Allele origin: germline. Affected: yes. Observed: 1 variant allele.
Comment: RHOBTB2: PM2:Supporting, BP4, BP7